The following is an entry in ClinVar:

ClinVar aggregate classification (germline): Benign. Review status: criteria provided, multiple submitters, no conflicts (2 of 4 stars). 2 submissions from 2 submitters: Benign (2). Last evaluated 2018-01-12.

Conditions:
Congenital vertical talus. Also called: PES VALGUS, CONGENITAL CONVEX; Rocker-bottom foot deformity. Identifiers: Orphanet 178382, MedGen C0240912, MONDO:0008652, OMIM 192950, HP:0001838.

Allele frequency attached by ClinVar (database versions not stated): gnomAD exomes 0.00022 and 0.00045; ExAC 0.00059; gnomAD 0.00179 and 0.00188; TOPMed 0.00192; ESP Exome Variant Server 0.00208; 1000 Genomes Project 0.00260; 1000 Genomes Project 30x 0.00375.
gnomAD v4.1: 589 of 1,613,644 alleles (0.037%); highest among the groups gnomAD compares: African/African-American, 0.67%; no homozygotes.

Submissions (2):

Illumina Laboratory Services, Illumina
Classification: Benign for Congenital vertical talus. Last evaluated: 2018-01-12. Review status: criteria provided, single submitter. Criteria: ICSL Variant Classification Criteria 13 December 2019. Collection method: clinical testing. Allele origin: germline.
Comment: This variant was observed in the ICSL laboratory as part of a predisposition screen in an ostensibly healthy population. It had not been previously curated by ICSL or reported in the Human Gene Mutation Database (HGMD: prior to June 1st, 2018), and was therefore a candidate for classification through an automated scoring system. Utilizing variant allele frequency, disease prevalence and penetrance estimates, and inheritance mode, an automated score was calculated to assess if this variant is too frequent to cause the disease. Based on the score and internal cut-off values, a variant classified as benign is not then subjected to further curation. The score for this variant resulted in a classification of benign for this disease.

Breakthrough Genomics
Classification: Benign. Review status: criteria provided, single submitter. Criteria: ACMG Guidelines, 2015. Collection method: not provided. Allele origin: germline. Inheritance: Autosomal dominant inheritance. Affected: yes.

NM_002148.4(HOXD10):c.998T>C (p.Leu333Pro)

Gene: HOXD10 (homeobox D10; plus strand). Cytogenetic location: 2q31.1.
Variant type: single nucleotide variant.
Coding change: c.998T>C on transcript NM_002148.4 (MANE Select); coding-DNA position 998, T replaced by C.
Protein change: p.Leu333Pro; replaces leucine 333 with proline.
Molecular consequence: missense variant.
Genome position (GRCh38, 1-based): chr2:176,119,206, T>C. VCF-style: chr2-176119206-T-C. GRCh37 (hg19) VCF-style: chr2-176983934-T-C.
Other names: short protein forms L333P.
Identifiers: ClinVar variation 332489 (VCV000332489.6), dbSNP rs144160937, ClinGen allele CA1977437.
Genomic context (GRCh38, chr2:176,119,206, plus strand): 5'-GGTTTCAAAACCGCCGAATGAAACTCAAGAAGATGAGCCGAGAGAACCGGATCCGAGAAC[T>C]GACCGCCAACCTCACGTTTTCTTAGGTCTGAGGCCGGTCTGAGGCCGGTCAGAGGCCAGG-3'
Protein context (NP_002139.2, residues 323-340): KMSRENRIRE[Leu333Pro]TANLTFS